The following is an entry in ClinVar:

NM_001365536.1(SCN9A):c.1401A>T (p.Lys467Asn)

Genes: SCN1A-AS1 (SCN1A and SCN9A antisense RNA 1; plus strand), SCN9A (sodium voltage-gated channel alpha subunit 9; minus strand). Cytogenetic location: 2q24.3.
Variant type: single nucleotide variant.
Coding change: c.1401A>T on transcript NM_001365536.1 (MANE Select); coding-DNA position 1401, A replaced by T.
Protein change: p.Lys467Asn; replaces lysine 467 with asparagine.
Molecular consequence: missense variant.
Genome position (GRCh38, 1-based): chr2:166,286,537, T>A on the plus strand (A>T on the coding strand, the complement: SCN9A is on the minus strand). VCF-style: chr2-166286537-T-A. GRCh37 (hg19) VCF-style: chr2-167143047-T-A.
Other names: c.1401A>T, p.Lys467Asn (NM_002977.4); short protein forms K467N.
Identifiers: ClinVar variation 2118364 (VCV002118364.4), dbSNP rs2468041045, ClinGen allele CA349084827.

ClinVar aggregate classification (germline): Uncertain significance (1 of 4 stars; one submission).

Conditions:
Neuropathy, hereditary sensory and autonomic, type 2A (HSAN2A). Also called: MORVAN DISEASE; NEUROPATHY, CONGENITAL SENSORY; NEUROPATHY, HEREDITARY SENSORY RADICULAR, AUTOSOMAL RECESSIVE; NEUROPATHY, HEREDITARY SENSORY, TYPE IIA; NEUROPATHY, PROGRESSIVE SENSORY, OF CHILDREN; HSAN IIA. Identifiers: Orphanet 970, MedGen C2752089, MONDO:0024309, OMIM 201300.
Generalized epilepsy with febrile seizures plus, type 7 (GEFSP7). Also called: GEFS+, TYPE 7. Identifiers: Orphanet 36387, MedGen C2751778, MONDO:0013470, OMIM 613863.

Submission:

Labcorp Genetics (formerly Invitae), Labcorp
Classification: Uncertain significance for Neuropathy, hereditary sensory and autonomic, type 2A; Generalized epilepsy with febrile seizures plus, type 7. Last evaluated: 2022-03-27. Review status: criteria provided, single submitter. Criteria: Invitae Variant Classification Sherloc (09022015). Collection method: clinical testing. Allele origin: germline.
Comment: In summary, the available evidence is currently insufficient to determine the role of this variant in disease. Therefore, it has been classified as a Variant of Uncertain Significance. Algorithms developed to predict the effect of missense changes on protein structure and function are either unavailable or do not agree on the potential impact of this missense change (SIFT: "Deleterious"; PolyPhen-2: "Possibly Damaging"; Align-GVGD: "Class C0"). This variant has not been reported in the literature in individuals affected with SCN9A-related conditions. This variant is not present in population databases (gnomAD no frequency). This sequence change replaces lysine, which is basic and polar, with asparagine, which is neutral and polar, at codon 467 of the SCN9A protein (p.Lys467Asn).